The following is an entry in ClinVar:

ClinVar aggregate classification (germline): Uncertain significance (1 of 4 stars; one submission).

Conditions:
Hereditary cancer-predisposing syndrome. Also called: Hereditary Cancer Syndrome; Neoplastic Syndromes, Hereditary; Tumor predisposition; Hereditary neoplastic syndrome. Identifiers: Orphanet 140162, MedGen C0027672, MeSH D009386, MONDO:0015356.

Submission:

Ambry Genetics
Classification: Uncertain significance for Hereditary cancer-predisposing syndrome. Last evaluated: 2020-08-10. Review status: criteria provided, single submitter. Criteria: Ambry Variant Classification Scheme 2023. Collection method: clinical testing. Allele origin: germline.
Comment: The p.N1819I variant (also known as c.5456A>T), located in coding exon 15 of the APC gene, results from an A to T substitution at nucleotide position 5456. The asparagine at codon 1819 is replaced by isoleucine, an amino acid with dissimilar properties. This amino acid position is well conserved in available vertebrate species. In addition, in silico predictors for this gene do not accurately predict pathogenicity. Since supporting evidence is limited at this time, the clinical significance of this alteration remains unclear.

NM_000038.6(APC):c.5456A>T (p.Asn1819Ile)

Gene: APC (APC regulator of Wnt signaling pathway; plus strand). Cytogenetic location: 5q22.2.
Variant type: single nucleotide variant.
Coding change: c.5456A>T on transcript NM_000038.6 (MANE Select); coding-DNA position 5456, A replaced by T.
Protein change: p.Asn1819Ile; replaces asparagine 1819 with isoleucine.
Molecular consequence: missense variant.
Genome position (GRCh38, 1-based): chr5:112,841,050, A>T. VCF-style: chr5-112841050-A-T. GRCh37 (hg19) VCF-style: chr5-112176747-A-T.
Other names: c.5456A>T, p.Asn1819Ile (NM_001127510.3, NM_001354895.2, NM_001407450.1); c.5402A>T, p.Asn1801Ile (NM_001127511.3); c.5510A>T, p.Asn1837Ile (NM_001354896.2, NM_001407447.1, NM_001407448.1 and 1 more transcripts); c.5486A>T, p.Asn1829Ile (NM_001354897.2); c.5381A>T, p.Asn1794Ile (NM_001354898.2); c.5372A>T, p.Asn1791Ile (NM_001354899.2); c.5333A>T, p.Asn1778Ile (NM_001354900.2); c.5279A>T, p.Asn1760Ile (NM_001354901.2, NM_001407453.1); and 11 more; short protein forms N1794I, N1812I, N1837I, N1536I, N1760I, N1791I, N1659I, N1693I.
Identifiers: ClinVar variation 1747637 (VCV001747637.2), dbSNP rs2149940611, ClinGen allele CA16033268.
Genomic context (GRCh38, chr5:112,841,050, plus strand): 5'-TAAATGCTGAGAGAGTTTTCTCAGACAACAAAGATTCAAAGAAACAGAATTTGAAAAATA[A>T]TTCCAAGGTCTTCAATGATAAGCTCCCAAATAATGAAGATAGAGTCAGAGGAAGTTTTGC-3'
Protein context (NP_000029.2, residues 1809-1829): KDSKKQNLKN[Asn1819Ile]SKVFNDKLPN